The following is an entry in ClinVar:

ClinVar aggregate classification (germline): Pathogenic/Likely pathogenic. Review status: criteria provided, multiple submitters, no conflicts (2 of 4 stars). 4 submissions from 4 submitters: Pathogenic (3); Likely pathogenic (1). Last evaluated 2025-11-14.

Conditions:
Epidermolysis bullosa dystrophica. Also called: Dystrophic epidermolysis bullosa, Hallopeau-Siemens type (formerly); Dystrophic epidermolysis bullosa. Identifiers: Orphanet 303, MedGen C0079294, MONDO:0006543.
Recessive dystrophic epidermolysis bullosa (RDEB). Also called: DYSTROPHIC EPIDERMOLYSIS BULLOSA, AUTOSOMAL RECESSIVE; EPIDERMOLYSIS BULLOSA DYSTROPHICA, HALLOPEAU-SIEMENS TYPE; Hallopeau-Siemens Disease; severe generalized recessive dystrophic epidermolysis bullosa; EPIDERMOLYSIS BULLOSA DYSTROPHICA, GENERALIZED SEVERE, AUTOSOMAL RECESSIVE; Recessive DEB (RDEB). Identifiers: Orphanet 79408, Orphanet 79409, MedGen C0079474, MONDO:0009179, OMIM 226600.

Allele frequency attached by ClinVar (database versions not stated): gnomAD 0.00001.
gnomAD v4.1: 3 of 1,613,856 alleles (0.00019%); highest among the groups gnomAD compares: South Asian, 0.0011%; no homozygotes.

Submissions (4):

Natera, Inc.
Classification: Likely pathogenic for Dystrophic epidermolysis bullosa. Last evaluated: 2025-11-14. Review status: criteria provided, single submitter. Criteria: Natera Variant Classification Schema (03/2026). Collection method: clinical testing. Allele origin: germline.
Comment: The c.6788G>A variant in COL7A1 is a missense variant predicted to cause substitution of glycine to aspartic acid at amino acid 2263. This variant is rare in the general population with a frequency below the threshold expected for the associated phenotype(s). This variant has been observed in one or more individuals affected with the associated recessive disease, as either homozygous or compound heterozygous with a second variant (PMID: 25703736, 29334134). This variant has been identified in one or more affected individual with a phenotype highly consistent with the associated gene (PMID: 29334134). Computational prediction algorithms indicate this variant is likely to affect gene or protein function. Given the available evidence, this variant is classified as Likely Pathogenic.

Myriad Genetics, Inc.
Classification: Pathogenic for Recessive dystrophic epidermolysis bullosa. Last evaluated: 2025-09-17. Review status: criteria provided, single submitter. Criteria: Myriad Autosomal Dominant, Autosomal Recessive and X-Linked Classification Criteria (2023). Collection method: clinical testing. Allele origin: unknown.
Comment: NM_000094.3(COL7A1):c.6788G>A(G2263D) is a missense variant classified as pathogenic in the context of dystrophic epidermolysis bullosa. G2263D has been observed in cases with relevant disease (PMID: 29334134, 25703736). Relevant functional assessments of this variant are not available in the literature. Internal structural analysis of the variant is supportive of pathogenicity. G2263D has not been observed in referenced population frequency databases. In summary, NM_000094.3(COL7A1):c.6788G>A(G2263D) is a missense variant that has internal structural support for pathogenicity and has been observed more frequently in cases with the relevant disease than in healthy populations. Please note: this variant was assessed in the context of healthy population screening.

Labcorp Genetics (formerly Invitae), Labcorp
Classification: Pathogenic. Last evaluated: 2024-11-13. Review status: criteria provided, single submitter. Criteria: Invitae Variant Classification Sherloc (09022015). Collection method: clinical testing. Allele origin: germline.
Comment: This sequence change replaces glycine, which is neutral and non-polar, with aspartic acid, which is acidic and polar, at codon 2263 of the COL7A1 protein (p.Gly2263Asp). This variant is present in population databases (no rsID available, gnomAD 0.007%). This missense change has been observed in individual(s) with autosomal recessive dystrophic epidermolysis bullosa (PMID: 29334134). ClinVar contains an entry for this variant (Variation ID: 1196665). Invitae Evidence Modeling of protein sequence and biophysical properties (such as structural, functional, and spatial information, amino acid conservation, physicochemical variation, residue mobility, and thermodynamic stability) indicates that this missense variant is expected to disrupt COL7A1 protein function with a positive predictive value of 95%. This variant disrupts the triple helix domain of COL7A1. Glycine residues within the Gly-Xaa-Yaa repeats of the triple helix domain are required for the structure and stability of fibrillar collagens (PMID: 7695699, 8218237, 19344236), and variants at these glycine residues in COL7A1 are more frequently observed in individuals with disease than in the general population (PMID: 22058051). However, the clinical significance of this observation remains uncertain since only a limited number of affected individuals have been described to date. This variant disrupts the p.Gly2263 amino acid residue in COL7A1. Other variant(s) that disrupt this residue have been determined to be pathogenic (PMID: 10504458, 14616374; internal data). This suggests that this residue is clinically significant, and that variants that disrupt this residue are likely to be disease-causing. For these reasons, this variant has been classified as Pathogenic.

GeneDx
Classification: Pathogenic. Last evaluated: 2022-08-11. Review status: criteria provided, single submitter. Criteria: GeneDx Variant Classification Process June 2021. Collection method: clinical testing. Allele origin: germline. Affected: yes.
Comment: Located in the highly conserved Gly-X-Y repeat of the collagenous domain; Glycine substitution variants in this region of the COLVII protein destabilize the collagen triple helix resulting in skin fragility due to poor anchoring of the basement membrane to the underlying dermis (Pfendner and Lucky, 2018); Not observed at significant frequency in large population cohorts (gnomAD); In silico analysis supports that this missense variant has a deleterious effect on protein structure/function; This variant is associated with the following publications: (PMID: 29334134, 14616374)

Literature cited by the submitters: PubMed 25703736 (cited by Natera, Inc. and Myriad Genetics, Inc.); PubMed 29334134 (cited by 3 submitters); PubMed 7695699 (cited by Labcorp Genetics (formerly Invitae), Labcorp); PubMed 8218237 (cited by Labcorp Genetics (formerly Invitae), Labcorp); PubMed 19344236 (cited by Labcorp Genetics (formerly Invitae), Labcorp); PubMed 22058051 (cited by Labcorp Genetics (formerly Invitae), Labcorp); PubMed 10504458 (cited by Labcorp Genetics (formerly Invitae), Labcorp); PubMed 14616374 (cited by Labcorp Genetics (formerly Invitae), Labcorp).

NM_000094.4(COL7A1):c.6788G>A (p.Gly2263Asp)

Gene: COL7A1 (collagen type VII alpha 1 chain; minus strand). Cytogenetic location: 3p21.31.
Variant type: single nucleotide variant.
Coding change: c.6788G>A on transcript NM_000094.4 (MANE Select); coding-DNA position 6788, G replaced by A.
Protein change: p.Gly2263Asp; replaces glycine 2263 with aspartic acid.
Molecular consequence: missense variant.
Genome position (GRCh38, 1-based): chr3:48,572,905, C>T on the plus strand (G>A on the coding strand, the complement: COL7A1 is on the minus strand). VCF-style: chr3-48572905-C-T. GRCh37 (hg19) VCF-style: chr3-48610338-C-T.
Other names: short protein forms G2263D.
Identifiers: ClinVar variation 1196665 (VCV001196665.10), dbSNP rs1405839597, ClinGen allele CA352654727.